The following is an entry in ClinVar:

NM_001098511.3(KIF2A):c.317C>T (p.Pro106Leu)

Gene: KIF2A (kinesin family member 2A; plus strand). Cytogenetic location: 5q12.1.
Variant type: single nucleotide variant.
Coding change: c.317C>T on transcript NM_001098511.3 (MANE Select); coding-DNA position 317, C replaced by T.
Protein change: p.Pro106Leu; replaces proline 106 with leucine.
Molecular consequence: missense variant.
Genome position (GRCh38, 1-based): chr5:62,350,103, C>T. VCF-style: chr5-62350103-C-T. GRCh37 (hg19) VCF-style: chr5-61645930-C-T.
Other names: c.236C>T, p.Pro79Leu (NM_001243952.2); c.317C>T, p.Pro106Leu (NM_001243953.2, NM_004520.5); short protein forms P79L, P106L.
Identifiers: ClinVar variation 2123592 (VCV002123592.4), dbSNP rs2531324727, ClinGen allele CA359948742.
Genomic context (GRCh38, chr5:62,350,103, plus strand): 5'-ATGAACATTTTTTCCTTTCATAGAATCGACGGACTGTAGCTTCTATTAAGAATGACCCTC[C>T]TTCAAGAGATAATAGAGGTAAAGTAAAAATTTATCTCTTAATTTTGGCTATTGACTTCTT-3'
Protein context (NP_001091981.1, residues 96-116): RTVASIKNDP[Pro106Leu]SRDNRVVGSA

ClinVar aggregate classification (germline): Uncertain significance (1 of 4 stars; one submission).

Submission:

Labcorp Genetics (formerly Invitae), Labcorp
Classification: Uncertain significance. Last evaluated: 2024-01-08. Review status: criteria provided, single submitter. Criteria: Invitae Variant Classification Sherloc (09022015). Collection method: clinical testing. Allele origin: germline.
Comment: This sequence change replaces proline, which is neutral and non-polar, with leucine, which is neutral and non-polar, at codon 106 of the KIF2A protein (p.Pro106Leu). This variant is not present in population databases (gnomAD no frequency). This variant has not been reported in the literature in individuals affected with KIF2A-related conditions. ClinVar contains an entry for this variant (Variation ID: 2123592). An algorithm developed to predict the effect of missense changes on protein structure and function (PolyPhen-2) suggests that this variant is likely to be tolerated. In summary, the available evidence is currently insufficient to determine the role of this variant in disease. Therefore, it has been classified as a Variant of Uncertain Significance.